The following is an entry in ClinVar:

NM_000051.4(ATM):c.5763-2A>T

Genes: ATM (ATM serine/threonine kinase; plus strand), C11orf65 (chromosome 11 open reading frame 65; minus strand). Cytogenetic location: 11q22.3.
Variant type: single nucleotide variant.
Coding change: c.5763-2A>T on transcript NM_000051.4 (MANE Select); the canonical splice acceptor site of the intron before coding-DNA position 5763, A replaced by T.
Molecular consequence: splice acceptor variant. On other transcripts: intron variant (2).
Genome position (GRCh38, 1-based): chr11:108,310,158, A>T. VCF-style: chr11-108310158-A-T. GRCh37 (hg19) VCF-style: chr11-108180885-A-T.
Other names: c.5763-2A>T (NM_001351834.2); c.641-1087T>A (NM_001330368.2); c.*39-1087T>A (NM_001351110.2).
Identifiers: ClinVar variation 371188 (VCV000371188.16), dbSNP rs876659489, ClinGen allele CA16041419.

ClinVar aggregate classification (germline): Pathogenic/Likely pathogenic. Review status: criteria provided, multiple submitters, no conflicts (2 of 4 stars). 7 submissions from 7 submitters: Pathogenic (3); Likely pathogenic (3). 1 of the submissions does not count toward it. Last evaluated 2025-08-08.

Conditions:
Hereditary cancer-predisposing syndrome. Also called: Neoplastic Syndromes, Hereditary; Hereditary neoplastic syndrome; Hereditary Cancer Syndrome; Tumor predisposition. Identifiers: Orphanet 140162, MedGen C0027672, MeSH D009386, MONDO:0015356.
Ataxia-telangiectasia syndrome (AT). Also called: Ataxia-telangiectasia, complementation group D; Ataxia-telangiectasia, complementation group E; LOUIS-BAR SYNDROME; AT, COMPLEMENTATION GROUP C; ATAXIA-TELANGIECTASIA, COMPLEMENTATION GROUP A; ATAXIA-TELANGIECTASIA, FRESNO VARIANT. Identifiers: Orphanet 100, MedGen C0004135, MONDO:0008840, OMIM 208900.
Familial cancer of breast. Also called: hereditary breast carcinoma; Hereditary breast cancer; BREAST CANCER, FAMILIAL. Identifiers: Orphanet 227535, MedGen C0346153, MONDO:0016419, OMIM 114480. Disease mechanism: loss of function.

Submissions (7):

Ambry Genetics
Classification: Likely pathogenic for Hereditary cancer-predisposing syndrome. Last evaluated: 2025-08-08. Review status: criteria provided, single submitter. Criteria: Ambry Variant Classification Scheme 2023. Collection method: clinical testing. Allele origin: germline.
Comment: The c.5763-2A>T intronic variant results from an A to T substitution two nucleotides upstream from coding exon 38 in the ATM gene. This variant has been identified in conjunction with another ATM variants in at least one individual with features consistent with ataxia telangiectasia (Broeks A et al. Hum Mutat, 1998;12:330-7; Verhagen MM et al. Hum Mutat, 2012 Mar;33:561-71; Micol R et al. J Allergy Clin Immunol, 2011 Aug;128:382-9.e1; Elitzur S et al. Blood, 2024 Sep;144:1193-1205). This variant is considered to be rare based on population cohorts in the Genome Aggregation Database (gnomAD). This nucleotide position is highly conserved in available vertebrate species. In silico splice site analysis predicts that this alteration will weaken the native splice acceptor site and will result in the creation or strengthening of a novel splice acceptor site. RNA studies have demonstrated that this alteration results in abnormal splicing in the set of samples tested (Ambry internal data). Alterations that disrupt the canonical splice site are expected to cause aberrant splicing, resulting in an abnormal protein or a transcript that is subject to nonsense-mediated mRNA decay. As such, this alteration is classified as likely pathogenic.

Labcorp Genetics (formerly Invitae), Labcorp
Classification: Pathogenic for Ataxia-telangiectasia syndrome. Last evaluated: 2025-05-22. Review status: criteria provided, single submitter. Criteria: Invitae Variant Classification Sherloc (09022015). Collection method: clinical testing. Allele origin: germline.
Comment: This sequence change affects an acceptor splice site in intron 38 of the ATM gene. It is expected to disrupt RNA splicing. Variants that disrupt the donor or acceptor splice site typically lead to a loss of protein function (PMID: 16199547), and loss-of-function variants in ATM are known to be pathogenic (PMID: 23807571, 25614872). This variant is not present in population databases (gnomAD no frequency). Disruption of this splice site has been observed in individuals with ataxia-telangiectasia (PMID: 9792409, 21665257, 25122203). This variant is also known as IVS40-2A>T. ClinVar contains an entry for this variant (Variation ID: 371188). Algorithms developed to predict the effect of sequence changes on RNA splicing suggest that this variant may disrupt the consensus splice site. For these reasons, this variant has been classified as Pathogenic.

Myriad Genetics, Inc.
Classification: Pathogenic for Familial cancer of breast. Last evaluated: 2024-01-26. Review status: criteria provided, single submitter. Criteria: Myriad Autosomal Dominant, Autosomal Recessive and X-Linked Classification Criteria (2023). Collection method: clinical testing. Allele origin: unknown.
Comment: This variant is considered pathogenic. This variant occurs within a consensus splice junction and is predicted to result in abnormal mRNA splicing of either an out-of-frame exon or an in-frame exon necessary for protein stability and/or normal function. This variant has been reported in multiple individuals with clinical features of gene-specific disease [PMID: 21665257, 25122203, 26896183, 32383811].

Baylor Genetics
Classification: Pathogenic for Familial cancer of breast. Last evaluated: 2022-12-27. Review status: criteria provided, single submitter. Criteria: ACMG Guidelines, 2015. Collection method: clinical testing. Allele origin: unknown.

Color Diagnostics, LLC DBA Color Health
Classification: Likely pathogenic for Hereditary cancer-predisposing syndrome. Last evaluated: 2020-09-15. Review status: criteria provided, single submitter. Criteria: ACMG Guidelines, 2015. Collection method: clinical testing. Allele origin: germline.
Comment: This variant causes an A to T nucleotide substitution at the -2 position of intron 38 splice acceptor site of the ATM gene. This variant has been reported in an individual affected with ataxia telangiectasia in compound heterozygous state with an unspecified second mutation (PMID: 9792409). This variant has been reported to cause cryptic acceptor site activation at c.5772_5773 and results in a frameshift and premature protein truncation (PMID: 9792409). This variant has not been identified in the general population by the Genome Aggregation Database (gnomAD). Loss of ATM function is a known mechanism of disease. Based on the available evidence, this variant is classified as Likely Pathogenic.

GeneDx
Classification: Likely pathogenic. Last evaluated: 2017-09-12. Review status: criteria provided, single submitter. Criteria: GeneDx Variant Classification (06012015). Collection method: clinical testing. Allele origin: germline. Affected: yes.
Comment: This variant is denoted ATM c.5763-2A>T or IVS38-2A>T and consists of an A>T nucleotide substitution at the -2 position of intron 38 of the ATM gene. This variant destroys a canonical splice acceptor site and is predicted to cause abnormal gene splicing, leading to either an abnormal message that is subject to nonsense-mediated mRNA decay or to an abnormal protein product. This variant, also called IVS40-2A>T using alternate exon numbering, has been reported in the compound heterozygous state in an individual with ataxia telangiectasia (Broeks 1998). Based on the currently available information, we consider ATM c.5763-2A>T to be a likely pathogenic variant.

Counsyl
Classification: Likely pathogenic for Ataxia-telangiectasia syndrome. Last evaluated: 2016-07-21. Review status: no assertion criteria provided. Collection method: clinical testing. Allele origin: unknown. Not counted in ClinVar's aggregate classification.

Literature cited by the submitters: PubMed 21665257 (cited by 4 submitters); PubMed 22213089 (cited by Ambry Genetics and Counsyl); PubMed 38917355 (cited by Ambry Genetics); PubMed 9792409 (cited by Ambry Genetics and Labcorp Genetics (formerly Invitae), Labcorp); PubMed 16199547 (cited by Labcorp Genetics (formerly Invitae), Labcorp); PubMed 23807571 (cited by Labcorp Genetics (formerly Invitae), Labcorp); PubMed 25614872 (cited by Labcorp Genetics (formerly Invitae), Labcorp); PubMed 25122203 (cited by Labcorp Genetics (formerly Invitae), Labcorp and Myriad Genetics, Inc.); PubMed 26896183 (cited by Myriad Genetics, Inc.); PubMed 32383811 (cited by Myriad Genetics, Inc.).